The following is an entry in ClinVar:

ClinVar aggregate classification (germline): Benign/Likely benign. Review status: criteria provided, multiple submitters, no conflicts (2 of 4 stars). 5 submissions from 5 submitters: Benign (2); Likely benign (2). 1 of the submissions does not count toward it. Last evaluated 2026-01-26.

Conditions:
Brachydactyly type A1. Also called: FARABEE-TYPE BRACHYDACTYLY; SHORT STATURE WITH NONSPECIFIC SKELETAL ABNORMALITIES 2. Identifiers: Orphanet 93388, MedGen C1862151, MONDO:0007215, OMIM 112500, HP:0009371.
IHH-related disorder. Also called: IHH-related condition.

Allele frequency attached by ClinVar (database versions not stated): gnomAD 0.00083; TOPMed 0.00089; 1000 Genomes Project 30x 0.00125; ESP Exome Variant Server 0.00154; 1000 Genomes Project 0.00160.

Submissions (5):

Labcorp Genetics (formerly Invitae), Labcorp
Classification: Benign. Last evaluated: 2026-01-26. Review status: criteria provided, single submitter. Criteria: Invitae Variant Classification Sherloc (09022015). Collection method: clinical testing. Allele origin: germline.

Illumina Laboratory Services, Illumina
Classification: Benign for Brachydactyly type A1. Last evaluated: 2018-01-13. Review status: criteria provided, single submitter. Criteria: ICSL Variant Classification Criteria 13 December 2019. Collection method: clinical testing. Allele origin: germline.
Comment: This variant was observed in the ICSL laboratory as part of a predisposition screen in an ostensibly healthy population. It had not been previously curated by ICSL or reported in the Human Gene Mutation Database (HGMD: prior to June 1st, 2018), and was therefore a candidate for classification through an automated scoring system. Utilizing variant allele frequency, disease prevalence and penetrance estimates, and inheritance mode, an automated score was calculated to assess if this variant is too frequent to cause the disease. Based on the score and internal cut-off values, a variant classified as benign is not then subjected to further curation. The score for this variant resulted in a classification of benign for this disease.

Eurofins Ntd Llc (ga)
Classification: Likely benign. Last evaluated: 2016-05-10. Review status: criteria provided, single submitter. Criteria: EGL Classification Definitions 2015. Collection method: clinical testing. Allele origin: germline. Observed: 2 variant alleles, 2 heterozygotes.

Breakthrough Genomics
Classification: Likely benign. Review status: criteria provided, single submitter. Criteria: ACMG Guidelines, 2015. Collection method: not provided. Allele origin: germline. Inheritance: Autosomal recessive inheritance. Affected: yes.

PreventionGenetics, part of Exact Sciences
Classification: Likely benign for IHH-related condition. Last evaluated: 2024-08-23. Review status: no assertion criteria provided. Collection method: clinical testing. Allele origin: germline. Not counted in ClinVar's aggregate classification.
Comment: This variant is classified as likely benign based on ACMG/AMP sequence variant interpretation guidelines (Richards et al. 2015 PMID: 25741868, with internal and published modifications).

NM_002181.4(IHH):c.858G>A (p.Pro286=)

Gene: IHH (Indian hedgehog signaling molecule; minus strand). Cytogenetic location: 2q35.
Variant type: single nucleotide variant.
Coding change: c.858G>A on transcript NM_002181.4 (MANE Select); coding-DNA position 858, G replaced by A.
Protein change: p.Pro286=; no amino-acid change (proline 286 retained).
Molecular consequence: synonymous variant.
Genome position (GRCh38, 1-based): chr2:219,055,585, C>T on the plus strand (G>A on the coding strand, the complement: IHH is on the minus strand). VCF-style: chr2-219055585-C-T. GRCh37 (hg19) VCF-style: chr2-219920307-C-T.
Identifiers: ClinVar variation 287743 (VCV000287743.18), dbSNP rs146055831, ClinGen allele CA2116587.